The following is an entry in ClinVar:

ClinVar aggregate classification (germline): Uncertain significance (1 of 4 stars; one submission).

Conditions:
KSR2-related disorder. Also called: KSR2-related condition.

Submission:

PreventionGenetics, part of Exact Sciences
Classification: Uncertain significance for KSR2-related condition. Last evaluated: 2026-06-24. Review status: criteria provided, single submitter. Criteria: ACMG Guidelines, 2015. Collection method: clinical testing. Allele origin: germline.
Comment: The KSR2 c.1810G>A variant is predicted to result in the amino acid substitution p.Glu604Lys. To our knowledge, this variant has not been reported in the literature. This variant is reported in 0.00089% of alleles in individuals of European (Non-Finnish) descent in gnomAD. At this time, the clinical significance of this variant is uncertain due to the absence of conclusive functional and genetic evidence.

NM_173598.6(KSR2):c.1897G>A (p.Glu633Lys)

Gene: KSR2 (kinase suppressor of ras 2; minus strand). Cytogenetic location: 12q24.22.
Variant type: single nucleotide variant.
Coding change: c.1897G>A on transcript NM_173598.6 (MANE Select); coding-DNA position 1897, G replaced by A.
Protein change: p.Glu633Lys; replaces glutamic acid 633 with lysine.
Molecular consequence: missense variant.
Genome position (GRCh38, 1-based): chr12:117,525,174, C>T on the plus strand (G>A on the coding strand, the complement: KSR2 is on the minus strand). VCF-style: chr12-117525174-C-T. GRCh37 (hg19) VCF-style: chr12-117962979-C-T.
Other names: short protein forms E633K.
Identifiers: ClinVar variation 4984023 (VCV004984023.1).